The following is an entry in ClinVar:

NM_001267550.2(TTN):c.90087A>G (p.Glu30029=)

Genes: TTN (titin; minus strand), TTN-AS1 (TTN antisense RNA 1; plus strand). Cytogenetic location: 2q31.2.
Variant type: single nucleotide variant.
Coding change: c.90087A>G on transcript NM_001267550.2 (MANE Select); coding-DNA position 90087, A replaced by G.
Protein change: p.Glu30029=; no amino-acid change (glutamic acid 30029 retained).
Molecular consequence: synonymous variant.
Genome position (GRCh38, 1-based): chr2:178,552,813, T>C on the plus strand (A>G on the coding strand, the complement: TTN is on the minus strand). VCF-style: chr2-178552813-T-C. GRCh37 (hg19) VCF-style: chr2-179417540-T-C.
Other names: c.85164A>G, p.Glu28388= (NM_001256850.1); c.62892A>G, p.Glu20964= (NM_003319.4); c.82383A>G, p.Glu27461= (NM_133378.4); c.63267A>G, p.Glu21089= (NM_133432.3); c.63468A>G, p.Glu21156= (NM_133437.4).
Identifiers: ClinVar variation 1086393 (VCV001086393.11), dbSNP rs1699946648, ClinGen allele CA430245732.

ClinVar aggregate classification (germline): Likely benign. Review status: criteria provided, multiple submitters, no conflicts (2 of 4 stars). 3 submissions from 3 submitters: Likely benign (3). Last evaluated 2026-04-01.

Conditions:
Dilated cardiomyopathy 1G (CMD1G). Identifiers: Orphanet 154, MedGen C1858763, MONDO:0011400, OMIM 604145.
Autosomal recessive limb-girdle muscular dystrophy type 2J (LGMDR10). Also called: Limb-girdle muscular dystrophy, type 2J; MUSCULAR DYSTROPHY, LIMB-GIRDLE, AUTOSOMAL RECESSIVE 10. Identifiers: Orphanet 140922, MedGen C1837342, MONDO:0012127, OMIM 608807.
TTN-related disorder. Also called: TTN-related disorders; TTN-related condition; TTN-related disease.

Allele frequency attached by ClinVar (database versions not stated): gnomAD exomes below 0.00001.
gnomAD v4.1: 3 of 1,613,896 alleles (0.00019%); highest among the groups gnomAD compares: Non-Finnish European, 0.00025%; no homozygotes.

Submissions (3):

PreventionGenetics, part of Exact Sciences
Classification: Likely benign for TTN-related condition. Last evaluated: 2026-04-01. Review status: criteria provided, single submitter. Criteria: ACMG Guidelines, 2015. Collection method: clinical testing. Allele origin: germline.
Comment: This variant is classified as likely benign based on ACMG/AMP sequence variant interpretation guidelines (Richards et al. 2015 PMID: 25741868, with internal and published modifications).

Women's Health and Genetics/Laboratory Corporation of America, LabCorp
Classification: Likely benign. Last evaluated: 2025-07-09. Review status: criteria provided, single submitter. Criteria: LabCorp Variant Classification Summary - May 2015. Collection method: clinical testing. Allele origin: germline.

Labcorp Genetics (formerly Invitae), Labcorp
Classification: Likely benign for Dilated cardiomyopathy 1G; Autosomal recessive limb-girdle muscular dystrophy type 2J. Last evaluated: 2021-08-21. Review status: criteria provided, single submitter. Criteria: Invitae Variant Classification Sherloc (09022015). Collection method: clinical testing. Allele origin: germline.